The following is an entry in ClinVar:

ClinVar aggregate classification (germline): Uncertain significance (1 of 4 stars; one submission).

gnomAD v4.1: 4 of 1,607,070 alleles (0.00025%); highest among the groups gnomAD compares: Non-Finnish European, 0.00034%; no homozygotes.

Submission:

GeneDx
Classification: Uncertain significance. Last evaluated: 2022-01-08. Review status: criteria provided, single submitter. Criteria: GeneDx Variant Classification Process June 2021. Collection method: clinical testing. Allele origin: germline. Affected: yes.
Comment: Not observed at significant frequency in large population cohorts (gnomAD); In silico analysis supports that this missense variant does not alter protein structure/function; Has not been previously published as pathogenic or benign to our knowledge

NM_152296.5(ATP1A3):c.2923C>G (p.Pro975Ala)

Gene: ATP1A3 (ATPase Na+/K+ transporting subunit alpha 3; minus strand). Cytogenetic location: 19q13.2.
Variant type: single nucleotide variant.
Coding change: c.2923C>G on transcript NM_152296.5 (MANE Select); coding-DNA position 2923, C replaced by G.
Protein change: p.Pro975Ala; replaces proline 975 with alanine.
Molecular consequence: missense variant.
Genome position (GRCh38, 1-based): chr19:41,967,339, G>C on the plus strand (C>G on the coding strand, the complement: ATP1A3 is on the minus strand). VCF-style: chr19-41967339-G-C. GRCh37 (hg19) VCF-style: chr19-42471491-G-C.
Other names: c.2956C>G, p.Pro986Ala (NM_001256213.2); c.2962C>G, p.Pro988Ala (NM_001256214.2); short protein forms P975A, P986A, P988A.
Identifiers: ClinVar variation 1695846 (VCV001695846.2), dbSNP rs782655656, ClinGen allele CA308584462.